The following is an entry in ClinVar:

ClinVar aggregate classification (germline): Uncertain significance. Review status: criteria provided, multiple submitters, no conflicts (2 of 4 stars). 5 submissions from 4 submitters: Uncertain significance (4). 1 of the submissions does not count toward it. Last evaluated 2025-05-05.

Conditions:
Inborn genetic diseases. Identifiers: MedGen C0950123, MeSH D030342.
Retinitis pigmentosa 39 (RP39). Identifiers: Orphanet 791, MedGen C3151138, MONDO:0013436, OMIM 613809.
Usher syndrome type 2A. Also called: RETINAL DISEASE IN USHER SYNDROME TYPE IIA, MODIFIER OF; USHER SYNDROME, TYPE IIA. Identifiers: Orphanet 231178, Orphanet 886, MedGen C1848634, MONDO:0010169, OMIM 276901.

Allele frequency attached by ClinVar (database versions not stated): ExAC 0.00001; gnomAD 0.00001 and 0.00002; gnomAD exomes 0.00001; TOPMed 0.00003.
gnomAD v4.1: 11 of 1,613,820 alleles (0.00068%); highest among the groups gnomAD compares: East Asian, 0.0022%; no homozygotes.

Submissions (5):

Labcorp Genetics (formerly Invitae), Labcorp
Classification: Uncertain significance. Last evaluated: 2025-05-05. Review status: criteria provided, single submitter. Criteria: Invitae Variant Classification Sherloc (09022015). Collection method: clinical testing. Allele origin: germline.
Comment: This sequence change replaces arginine, which is basic and polar, with cysteine, which is neutral and slightly polar, at codon 1998 of the USH2A protein (p.Arg1998Cys). This variant is present in population databases (rs777886737, gnomAD 0.006%). This variant has not been reported in the literature in individuals affected with USH2A-related conditions. ClinVar contains an entry for this variant (Variation ID: 962124). Invitae Evidence Modeling of protein sequence and biophysical properties (such as structural, functional, and spatial information, amino acid conservation, physicochemical variation, residue mobility, and thermodynamic stability) indicates that this missense variant is not expected to disrupt USH2A protein function with a negative predictive value of 95%. In summary, the available evidence is currently insufficient to determine the role of this variant in disease. Therefore, it has been classified as a Variant of Uncertain Significance.

Genome-Nilou Lab
Classification: Uncertain significance for Retinitis pigmentosa 39. Last evaluated: 2023-11-04. Review status: criteria provided, single submitter. Criteria: ACMG Guidelines, 2015. Collection method: clinical testing. Allele origin: germline. Affected: no.

Genome-Nilou Lab
Classification: Uncertain significance for Usher syndrome type 2A. Last evaluated: 2023-11-04. Review status: criteria provided, single submitter. Criteria: ACMG Guidelines, 2015. Collection method: clinical testing. Allele origin: germline. Affected: no.

Ambry Genetics
Classification: Uncertain significance for Inborn genetic diseases. Last evaluated: 2021-07-06. Review status: criteria provided, single submitter. Criteria: Ambry Variant Classification Scheme 2023. Collection method: clinical testing. Allele origin: germline.

Natera, Inc.
Classification: Uncertain significance for Usher syndrome type 2A. Last evaluated: 2020-03-17. Review status: no assertion criteria provided. Collection method: clinical testing. Allele origin: germline. Not counted in ClinVar's aggregate classification.

NM_206933.4(USH2A):c.5992C>T (p.Arg1998Cys)

Gene: USH2A (usherin; minus strand). Cytogenetic location: 1q41.
Variant type: single nucleotide variant.
Coding change: c.5992C>T on transcript NM_206933.4 (MANE Select); coding-DNA position 5992, C replaced by T.
Protein change: p.Arg1998Cys; replaces arginine 1998 with cysteine.
Molecular consequence: missense variant.
Genome position (GRCh38, 1-based): chr1:216,070,158, G>A on the plus strand (C>T on the coding strand, the complement: USH2A is on the minus strand). VCF-style: chr1-216070158-G-A. GRCh37 (hg19) VCF-style: chr1-216243500-G-A.
Other names: short protein forms R1998C.
Identifiers: ClinVar variation 962124 (VCV000962124.6), dbSNP rs777886737, ClinGen allele CA1395280.
Genomic context (GRCh38, chr1:216,070,158, plus strand): 5'-TACCTGTGAGGTTGCTTGTATTGACAAATTCAGCACTGGCAGAGGGCATGCGGGGTGGAC[G>A]GGTGCTGTCCTCACTATAGGCTTTCAGAATGTACTTCTCAATTACACCTCTGACAACAGG-3'
Protein context (NP_996816.3, residues 1988-2008): ILKAYSEDST[Arg1998Cys]PPRMPSASAE